The following is an entry in ClinVar:

NM_000492.4(CFTR):c.773G>T (p.Arg258Ile)

Gene: CFTR (CF transmembrane conductance regulator; plus strand). Cytogenetic location: 7q31.2.
Variant type: single nucleotide variant.
Coding change: c.773G>T on transcript NM_000492.4 (MANE Select); coding-DNA position 773, G replaced by T.
Protein change: p.Arg258Ile; replaces arginine 258 with isoleucine.
Molecular consequence: missense variant.
Genome position (GRCh38, 1-based): chr7:117,536,577, G>T. VCF-style: chr7-117536577-G-T. GRCh37 (hg19) VCF-style: chr7-117176631-G-T.
Other names: short protein forms R258I.
Identifiers: ClinVar variation 633165 (VCV000633165.6), dbSNP rs377514639, ClinGen allele CA4450831.

ClinVar aggregate classification (germline): Uncertain significance. Review status: criteria provided, multiple submitters, no conflicts (2 of 4 stars). 3 submissions from 3 submitters: Uncertain significance (2). 1 of the submissions does not count toward it. Last evaluated 2025-11-24.

Conditions:
Cystic fibrosis (CF). Also called: MUCOVISCIDOSIS. Identifiers: Orphanet 586, MedGen C0010674, MONDO:0009061, OMIM 219700. Disease mechanism: loss of function.

Allele frequency attached by ClinVar (database versions not stated): gnomAD 0.00001; gnomAD exomes 0.00001 and 0.00002; TOPMed 0.00001; ExAC 0.00002; ESP Exome Variant Server 0.00008.
gnomAD v4.1: 29 of 1,602,570 alleles (0.0018%); highest among the groups gnomAD compares: Non-Finnish European, 0.0024%; no homozygotes.

Submissions (3):

Ambry Genetics
Classification: Uncertain significance for Cystic fibrosis. Last evaluated: 2025-11-24. Review status: criteria provided, single submitter. Criteria: Ambry Variant Classification Scheme 2023. Collection method: clinical testing. Allele origin: germline.
Comment: The p.R258I variant (also known as c.773G>T), located in coding exon 7 of the CFTR gene, results from a G to T substitution at nucleotide position 773. The arginine at codon 258 is replaced by isoleucine, an amino acid with similar properties. In an assay testing CFTR function, this variant showed a functionally abnormal result (Bihler H et al. J Cyst Fibros, 2024 Jul;23:664-675). This amino acid position is highly conserved in available vertebrate species. In addition, this alteration is predicted to be deleterious by in silico analysis. Based on the available evidence, the clinical significance of this variant remains unclear.

Women's Health and Genetics/Laboratory Corporation of America, LabCorp
Classification: Uncertain significance. Last evaluated: 2024-06-20. Review status: criteria provided, single submitter. Criteria: LabCorp Variant Classification Summary - May 2015. Collection method: clinical testing. Allele origin: germline.
Comment: Variant summary: CFTR c.773G>T (p.Arg258Ile) results in a non-conservative amino acid change located in the ABC transporter type 1, transmembrane domain (IPR011527) of the encoded protein sequence. Four of four in-silico tools predict a damaging effect of the variant on protein function. The variant allele was found at a frequency of 8.5e-06 in 236190 control chromosomes. To our knowledge, no occurrence of c.773G>T in individuals affected with Cystic Fibrosis has been reported. At least one publication reports experimental evidence evaluating an impact on protein function. For summary blurb: The most pronounced variant effect resulted in approximately 15% of normal chloride channel conductance relative to wild type (e.g., Bihler_2024). ClinVar contains an entry for this variant (Variation ID: 633165). Based on the evidence outlined above, the variant was classified as VUS-possibly pathogenic.

Natera, Inc.
Classification: Uncertain significance for Cystic Fibrosis. Last evaluated: 2020-09-16. Review status: no assertion criteria provided. Collection method: clinical testing. Allele origin: germline. Not counted in ClinVar's aggregate classification.

Literature cited by the submitters: PubMed 38388235 (cited by Ambry Genetics and Women's Health and Genetics/Laboratory Corporation of America, LabCorp).